The following is an entry in ClinVar:

NM_004329.3(BMPR1A):c.762T>C (p.Arg254=)

Gene: BMPR1A (bone morphogenetic protein receptor type 1A; plus strand). Cytogenetic location: 10q23.2.
Variant type: single nucleotide variant.
Coding change: c.762T>C on transcript NM_004329.3 (MANE Select); coding-DNA position 762, T replaced by C.
Protein change: p.Arg254=; no amino-acid change (arginine 254 retained).
Molecular consequence: synonymous variant.
Genome position (GRCh38, 1-based): chr10:86,917,220, T>C. VCF-style: chr10-86917220-T-C. GRCh37 (hg19) VCF-style: chr10-88676977-T-C.
Identifiers: ClinVar variation 380267 (VCV000380267.19), dbSNP rs372569976, ClinGen allele CA5585600.

ClinVar aggregate classification (germline): Benign/Likely benign. Review status: criteria provided, multiple submitters, no conflicts (2 of 4 stars). 7 submissions from 7 submitters: Benign (1); Likely benign (6). Last evaluated 2026-02-01.

Conditions:
Juvenile polyposis syndrome (JPS). Identifiers: Orphanet 2929, MedGen C0345893, MONDO:0017380, OMIM 174900.
Hereditary cancer-predisposing syndrome. Also called: Tumor predisposition; Hereditary neoplastic syndrome; Neoplastic Syndromes, Hereditary; Hereditary Cancer Syndrome. Identifiers: Orphanet 140162, MedGen C0027672, MeSH D009386, MONDO:0015356.

Allele frequency attached by ClinVar (database versions not stated): gnomAD exomes below 0.00001; ExAC 0.00002; gnomAD 0.00002; TOPMed 0.00005; ESP Exome Variant Server 0.00015.

Submissions (7):

Women's Health and Genetics/Laboratory Corporation of America, LabCorp
Classification: Likely benign. Last evaluated: 2026-02-01. Review status: criteria provided, single submitter. Criteria: LabCorp Variant Classification Summary - May 2015. Collection method: clinical testing. Allele origin: germline.

Labcorp Genetics (formerly Invitae), Labcorp
Classification: Likely benign for Juvenile polyposis syndrome. Last evaluated: 2025-12-21. Review status: criteria provided, single submitter. Criteria: Invitae Variant Classification Sherloc (09022015). Collection method: clinical testing. Allele origin: germline.

Myriad Genetics, Inc.
Classification: Benign for Juvenile polyposis syndrome. Last evaluated: 2024-08-05. Review status: criteria provided, single submitter. Criteria: Myriad Autosomal Dominant, Autosomal Recessive and X-Linked Classification Criteria (2023). Collection method: clinical testing. Allele origin: unknown.
Comment: This variant is considered benign. This variant is a silent/synonymous amino acid change and it is not expected to impact splicing.

All of Us Research Program, National Institutes of Health
Classification: Likely benign for Juvenile polyposis syndrome. Last evaluated: 2023-11-16. Review status: criteria provided, single submitter. Criteria: ACMG Guidelines, 2015. Collection method: clinical testing. Allele origin: germline. Inheritance: Autosomal dominant inheritance. Observed: 4 variant alleles, 4 heterozygotes.
Comment: This study involves interpretation of variants in research participants for the purpose of population health screening. Participant phenotype was not available at the time of variant classification. Additional details can be found in publication PMID: 35346344, PMCID: PMC8962531

Ambry Genetics
Classification: Likely benign for Hereditary cancer-predisposing syndrome. Last evaluated: 2020-01-31. Review status: criteria provided, single submitter. Criteria: Ambry Variant Classification Scheme 2023. Collection method: clinical testing. Allele origin: germline.

Color Diagnostics, LLC DBA Color Health
Classification: Likely benign for Hereditary cancer-predisposing syndrome. Last evaluated: 2016-03-09. Review status: criteria provided, single submitter. Criteria: ACMG Guidelines, 2015. Collection method: clinical testing. Allele origin: germline.

GeneDx
Classification: Likely benign. Last evaluated: 2015-09-30. Review status: criteria provided, single submitter. Criteria: GeneDx Variant Classification (06012015). Collection method: clinical testing. Allele origin: germline. Affected: yes.
Comment: This variant is considered likely benign or benign based on one or more of the following criteria: it is a conservative change, it occurs at a poorly conserved position in the protein, it is predicted to be benign by multiple in silico algorithms, and/or has population frequency not consistent with disease.